The following is an entry in ClinVar:

ClinVar aggregate classification (germline): Likely pathogenic (1 of 4 stars; one submission).

Conditions:
Dentinogenesis imperfecta type 2 (DGI1). Also called: CAPDEPONT TEETH; Dentinogenesis imperfecta - Shield's type II; OPALESCENT DENTIN; OPALESCENT TEETH WITHOUT OSTEOGENESIS IMPERFECTA; Dentinogenesis imperfecta without osteogenesis imperfecta; Hereditary Opalescent Dentin. Identifiers: Orphanet 166260, MedGen C2973527, MONDO:0007441, OMIM 125490. Disease mechanism: loss of function.

Submission:

Institute of Human Genetics, Medical University Innsbruck
Classification: Likely pathogenic for Dentinogenesis imperfecta type 2. Last evaluated: 2020-07-17. Review status: criteria provided, single submitter. Criteria: ACMG Guidelines, 2015. Collection method: clinical testing. Allele origin: maternal. Inheritance: Autosomal dominant inheritance. Affected: yes. Observed: 1 heterozygote.
Comment: PVS1, PM2, PM4, PP1, PP4 The DSPP mutation c.2343delC leads to a reading frame shift, a stop loss, and after 532 altered amino acids to a novel termination signal. The expected effect is a prolonged protein (p.Asn781Lysfs*533). The mutation is not listed in gnomAD and in HGMD, ClinVar, or LOVD mutation databases, nor is it described in the literature known to us. Although frameshift mutations in this region, which also lead to a stop loss, are listed as pathogenic in HGMD. According to ACMG consensus recommendations, the mutation can be classified as likely pathogenic (class 4). Heterozygous mutations in the DSPP gene (OMIM *125485) are, among other things, the cause of autosomal dominant dentinogenesis imperfecta (type 2, OMIM #125490; type 3, OMIM #125500).

NM_014208.3(DSPP):c.2343del (p.Asn781fs)

Genes: DMP1-AS1 (DMP1 and DSPP antisense RNA 1; minus strand), DSPP (dentin sialophosphoprotein; plus strand). Cytogenetic location: 4q22.1.
Variant type: Deletion.
Coding change: c.2343del on transcript NM_014208.3 (MANE Select); coding-DNA position 2343, one base deleted (C; older notation c.2343delC).
Protein change: p.Asn781fs; shifts the reading frame from asparagine 781.
Molecular consequence: frameshift variant.
Genome position (GRCh38, 1-based): chr4:87,615,005, C deleted. VCF-style (leftmost placement, unchanged base first): chr4-87615004-AC-A. GRCh37 (hg19) VCF-style: chr4-88536156-AC-A.
Other names: c.2343delC (NM_014208.3); short protein forms N781fs.
Identifiers: ClinVar variation 4076116 (VCV004076116.1).